The following is an entry in ClinVar:

NM_000722.4(CACNA2D1):c.2575-5A>T

Gene: CACNA2D1 (calcium voltage-gated channel auxiliary subunit alpha2delta 1; minus strand). Cytogenetic location: 7q21.11.
Variant type: single nucleotide variant.
Coding change: c.2575-5A>T on transcript NM_000722.4 (MANE Select); 5 bases into the intron before coding-DNA position 2575, A replaced by T.
Molecular consequence: intron variant.
Genome position (GRCh38, 1-based): chr7:81,964,364, T>A on the plus strand (A>T on the coding strand, the complement: CACNA2D1 is on the minus strand). VCF-style: chr7-81964364-T-A. GRCh37 (hg19) VCF-style: chr7-81593680-T-A.
Other names: p.?; c.2611-5A>T (NM_001366867.1).
Identifiers: ClinVar variation 4683280 (VCV004683280.1).
Genomic context (GRCh38, chr7:81,964,364, plus strand): 5'-ATATTAACCAGGTGTCTCATCAAGCTGGGATCAATCTCTCCAAAAAATCTTCCAATCTGG[T>A]GAAGAAAAAAATCATAAAGCAACGTGCACTTAAAATGTAAGCCAAAAATGAACACGGGAA-3'

ClinVar aggregate classification (germline): Likely benign (1 of 4 stars; one submission).

Submission:

Mayo Clinic Laboratories, Mayo Clinic
Classification: Likely benign. Last evaluated: 2025-04-07. Review status: criteria provided, single submitter. Criteria: ACMG Guidelines, 2015. Collection method: clinical testing. Allele origin: germline. Observed: 1 variant allele.
Comment: BP4, BP7, PM2_supporting